The following is an entry in ClinVar:

NM_000038.6(APC):c.7465C>T (p.Pro2489Ser)

Gene: APC (APC regulator of Wnt signaling pathway; plus strand). Cytogenetic location: 5q22.2.
Variant type: single nucleotide variant.
Coding change: c.7465C>T on transcript NM_000038.6 (MANE Select); coding-DNA position 7465, C replaced by T.
Protein change: p.Pro2489Ser; replaces proline 2489 with serine.
Molecular consequence: missense variant.
Genome position (GRCh38, 1-based): chr5:112,843,059, C>T. VCF-style: chr5-112843059-C-T. GRCh37 (hg19) VCF-style: chr5-112178756-C-T.
Other names: c.7465C>T, p.Pro2489Ser (NM_001127510.3, NM_001354895.2); c.7411C>T, p.Pro2471Ser (NM_001127511.3); c.7519C>T, p.Pro2507Ser (NM_001354896.2); c.7495C>T, p.Pro2499Ser (NM_001354897.2); c.7390C>T, p.Pro2464Ser (NM_001354898.2); c.7381C>T, p.Pro2461Ser (NM_001354899.2); c.7342C>T, p.Pro2448Ser (NM_001354900.2); c.7288C>T, p.Pro2430Ser (NM_001354901.2); and 5 more; short protein forms P2471S, P2489S, P2329S, P2448S, P2464S, P2363S, P2388S, P2398S.
Identifiers: ClinVar variation 482313 (VCV000482313.20), dbSNP rs1554088378, ClinGen allele CA16037573.

ClinVar aggregate classification (germline): Uncertain significance. Review status: criteria provided, multiple submitters, no conflicts (2 of 4 stars). 3 submissions from 3 submitters: Uncertain significance (3). Last evaluated 2026-01-31.

Conditions:
Familial adenomatous polyposis 1 (FAP1). Also called: FAMILIAL ADENOMATOUS POLYPOSIS 1, ATTENUATED; POLYPOSIS, ADENOMATOUS INTESTINAL. Identifiers: MedGen C2713442, MONDO:0021056, OMIM 175100. Disease mechanism: loss of function.
Hereditary cancer-predisposing syndrome. Also called: Neoplastic Syndromes, Hereditary; Tumor predisposition; Hereditary Cancer Syndrome; Hereditary neoplastic syndrome. Identifiers: Orphanet 140162, MedGen C0027672, MeSH D009386, MONDO:0015356.

Allele frequency attached by ClinVar (database versions not stated): gnomAD exomes below 0.00001.
gnomAD v4.1: 1 of 1,613,940 alleles (0.000062%); highest among the groups gnomAD compares: East Asian, 0.0022%; no homozygotes.

Submissions (3):

Labcorp Genetics (formerly Invitae), Labcorp
Classification: Uncertain significance for Familial adenomatous polyposis 1. Last evaluated: 2026-01-31. Review status: criteria provided, single submitter. Criteria: Invitae Variant Classification Sherloc (09022015). Collection method: clinical testing. Allele origin: germline.
Comment: This sequence change replaces proline, which is neutral and non-polar, with serine, which is neutral and polar, at codon 2489 of the APC protein (p.Pro2489Ser). This variant is not present in population databases (gnomAD no frequency). This variant has not been reported in the literature in individuals affected with APC-related conditions. ClinVar contains an entry for this variant (Variation ID: 482313). Invitae Evidence Modeling of protein sequence and biophysical properties (such as structural, functional, and spatial information, amino acid conservation, physicochemical variation, residue mobility, and thermodynamic stability) indicates that this missense variant is not expected to disrupt APC protein function with a negative predictive value of 95%. In summary, the available evidence is currently insufficient to determine the role of this variant in disease. Therefore, it has been classified as a Variant of Uncertain Significance.

Color Diagnostics, LLC DBA Color Health
Classification: Uncertain significance for Hereditary cancer-predisposing syndrome. Last evaluated: 2025-11-19. Review status: criteria provided, single submitter. Criteria: ACMG Guidelines, 2015. Collection method: clinical testing. Allele origin: germline.
Comment: This missense variant replaces proline with serine at codon 2489 of the APC protein. This is a missense variant not located in the first 15-amino acid repeat of the beta--catenin binding domain (codon 1021-1035) (PMID: 37800450). To our knowledge, functional studies have not been reported for this variant. This variant has not been reported in individuals affected with APC-related disorders in the literature. This variant has been identified in 1/1613940 chromosomes in the general population by the Genome Aggregation Database (gnomAD). The available evidence is insufficient to determine the role of this variant in disease conclusively. Therefore, this variant is classified as a Variant of Uncertain Significance.

Ambry Genetics
Classification: Uncertain significance for Hereditary cancer-predisposing syndrome. Last evaluated: 2024-11-15. Review status: criteria provided, single submitter. Criteria: Ambry Variant Classification Scheme 2023. Collection method: clinical testing. Allele origin: germline.
Comment: The p.P2489S variant (also known as c.7465C>T), located in coding exon 15 of the APC gene, results from a C to T substitution at nucleotide position 7465. The proline at codon 2489 is replaced by serine, an amino acid with similar properties. This amino acid position is highly conserved in available vertebrate species. In addition, in silico predictors for this gene do not accurately predict pathogenicity. Missense alterations in APC are not a common cause of disease (Spier I et al. Genet Med. 2024 Feb;26(2):100992). Based on the available evidence, the clinical significance of this variant remains unclear.

Literature cited by the submitters: PubMed 37800450 (cited by Color Diagnostics, LLC DBA Color Health).